The following is an entry in ClinVar:

NM_024596.5(MCPH1):c.641T>G (p.Leu214Trp)

Gene: MCPH1 (microcephalin 1; plus strand). Cytogenetic location: 8p23.1.
Variant type: single nucleotide variant.
Coding change: c.641T>G on transcript NM_024596.5 (MANE Select); coding-DNA position 641, T replaced by G.
Protein change: p.Leu214Trp; replaces leucine 214 with tryptophan.
Molecular consequence: missense variant. On other transcripts: non-coding transcript variant (1).
Genome position (GRCh38, 1-based): chr8:6,442,127, T>G. VCF-style: chr8-6442127-T-G. GRCh37 (hg19) VCF-style: chr8-6299648-T-G.
Other names: c.641T>G, p.Leu214Trp (NM_001172574.2, NM_001322042.2, NM_001363979.1 and 1 more transcripts); c.497T>G, p.Leu166Trp (NM_001172575.2); c.635T>G, p.Leu212Trp (NM_001322043.2); c.539T>G, p.Leu180Trp (NM_001322045.2); short protein forms L180W, L212W, L166W, L214W.
Identifiers: ClinVar variation 909930 (VCV000909930.7), dbSNP rs763114241, ClinGen allele CA171401525.

ClinVar aggregate classification (germline): Uncertain significance. Review status: criteria provided, multiple submitters, no conflicts (2 of 4 stars). 2 submissions from 2 submitters: Uncertain significance (2). Last evaluated 2021-10-28.

Conditions:
Microcephaly 1, primary, autosomal recessive (MCPH1). Also called: PREMATURE CHROMOSOME CONDENSATION SYNDROME; PCC SYNDROME; PREMATURE CHROMOSOME CONDENSATION WITH MICROCEPHALY AND MENTAL RETARDATION. Identifiers: Orphanet 2512, MedGen C1855081, MONDO:0009617, OMIM 251200.

Allele frequency attached by ClinVar (database versions not stated): gnomAD 0.00006; TOPMed 0.00011.
gnomAD v4.1: 128 of 1,612,520 alleles (0.0079%); highest among the groups gnomAD compares: Non-Finnish European, 0.01%; no homozygotes.

Submissions (2):

Labcorp Genetics (formerly Invitae), Labcorp
Classification: Uncertain significance. Last evaluated: 2021-10-28. Review status: criteria provided, single submitter. Criteria: Invitae Variant Classification Sherloc (09022015). Collection method: clinical testing. Allele origin: germline.
Comment: This sequence change replaces leucine, which is neutral and non-polar, with tryptophan, which is neutral and slightly polar, at codon 214 of the MCPH1 protein (p.Leu214Trp). This variant is present in population databases (rs763114241, gnomAD 0.01%). This variant has not been reported in the literature in individuals affected with MCPH1-related conditions. ClinVar contains an entry for this variant (Variation ID: 909930). Algorithms developed to predict the effect of missense changes on protein structure and function output the following: SIFT: "Not Available"; PolyPhen-2: "Possibly Damaging"; Align-GVGD: "Not Available". The tryptophan amino acid residue is found in multiple mammalian species, which suggests that this missense change does not adversely affect protein function. In summary, the available evidence is currently insufficient to determine the role of this variant in disease. Therefore, it has been classified as a Variant of Uncertain Significance.

Illumina Laboratory Services, Illumina
Classification: Uncertain significance for Microcephaly 1, primary, autosomal recessive. Last evaluated: 2018-01-13. Review status: criteria provided, single submitter. Criteria: ICSL Variant Classification Criteria 13 December 2019. Collection method: clinical testing. Allele origin: germline.